The following is an entry in ClinVar:

NM_000203.5(IDUA):c.542dup (p.Asn181fs)

Gene: IDUA (alpha-L-iduronidase; plus strand). Cytogenetic location: 4p16.3.
Variant type: Duplication.
Coding change: c.542dup on transcript NM_000203.5 (MANE Select); coding-DNA position 542, one base duplicated (A; older notation c.542dupA).
Protein change: p.Asn181fs; shifts the reading frame from asparagine 181.
Molecular consequence: frameshift variant. On other transcripts: non-coding transcript variant (1).
Genome position (GRCh38, 1-based): chr4:1,001,516, A duplicated; the last of 2 consecutive A bases (chr4:1,001,515-1,001,516); duplicating either gives the same sequence. VCF-style (leftmost placement, unchanged base first): chr4-1001514-G-GA. GRCh37 (hg19) VCF-style: chr4-995302-G-GA.
Other names: c.146dup, p.Asn49fs (NM_001363576.1); c.542dupA (NM_000203.3, NM_000203.4); short protein forms N181fs, N49fs.
Identifiers: ClinVar variation 558477 (VCV000558477.14), dbSNP rs1553917044, ClinGen allele CA658823285.
Genomic context (GRCh38, chr4:1,001,514, plus strand): 5'-AGGCTCCTCTGCAGGTAGGTACGGACTGGCGCATGTTTCCAAGTGGAACTTCGAGACGTG[G>GA]AATGAGCCAGACCACCACGACTTTGACAACGTCTCCATGACCATGCAAGGTGTGCACCGC-3'

ClinVar aggregate classification (germline): Pathogenic/Likely pathogenic. Review status: criteria provided, multiple submitters, no conflicts (2 of 4 stars). 4 submissions from 4 submitters: Pathogenic (1); Likely pathogenic (2). 1 of the submissions does not count toward it. Last evaluated 2025-04-28.

Conditions:
Hurler syndrome. Also called: Gargoylism, Hurler Syndrome; MUCOPOLYSACCHARIDOSIS TYPE IH; Severe MPS I (Hurler Syndrome). Identifiers: Orphanet 93473, MedGen C0086795, MONDO:0011758, OMIM 607014.
Mucopolysaccharidosis type 1. Also called: Mucopolysaccharidosis Type I; IDUA deficiency; MPS I. Identifiers: Orphanet 579, MedGen C0023786, MONDO:0001586.

Submissions (4):

Revvity Omics, Revvity
Classification: Likely pathogenic. Last evaluated: 2025-04-28. Review status: criteria provided, single submitter. Criteria: ACMG Guidelines, 2015. Collection method: clinical testing. Allele origin: germline.

Natera, Inc.
Classification: Likely pathogenic for Mucopolysaccharidosis type I. Last evaluated: 2024-05-28. Review status: criteria provided, single submitter. Criteria: Natera Variant Classification Schema (03/2026). Collection method: clinical testing. Allele origin: germline.
Comment: The c.542dupA variant in IDUA is a frameshift variant predicted to shift the reading frame beginning at codon 181 and leads to a stop codon 2 codons downstream. This variant is expected to result in nonsense mediated decay, truncation, or a dysfunctional protein product. This variant is rare in the general population with a frequency below the threshold expected for the associated phenotype(s). Given the available evidence, this variant is classified as Likely Pathogenic.

Labcorp Genetics (formerly Invitae), Labcorp
Classification: Pathogenic for Mucopolysaccharidosis type 1. Last evaluated: 2023-10-27. Review status: criteria provided, single submitter. Criteria: Invitae Variant Classification Sherloc (09022015). Collection method: clinical testing. Allele origin: germline.
Comment: This sequence change creates a premature translational stop signal (p.Asn181Lysfs*2) in the IDUA gene. It is expected to result in an absent or disrupted protein product. Loss-of-function variants in IDUA are known to be pathogenic (PMID: 11735025, 21480867). This variant is not present in population databases (gnomAD no frequency). This variant has not been reported in the literature in individuals affected with IDUA-related conditions. ClinVar contains an entry for this variant (Variation ID: 558477). Algorithms developed to predict the effect of sequence changes on RNA splicing suggest that this variant may disrupt the consensus splice site. For these reasons, this variant has been classified as Pathogenic.

Counsyl
Classification: Likely pathogenic for Hurler syndrome. Last evaluated: 2018-05-23. Review status: no assertion criteria provided. Collection method: clinical testing. Allele origin: unknown. Not counted in ClinVar's aggregate classification.

Literature cited by the submitters: PubMed 11735025 (cited by Labcorp Genetics (formerly Invitae), Labcorp); PubMed 21480867 (cited by Labcorp Genetics (formerly Invitae), Labcorp).